The following is an entry in ClinVar:

NM_001943.5(DSG2):c.881A>T (p.Lys294Ile)

Gene: DSG2 (desmoglein 2; plus strand). Cytogenetic location: 18q12.1.
Variant type: single nucleotide variant.
Coding change: c.881A>T on transcript NM_001943.5 (MANE Select); coding-DNA position 881, A replaced by T.
Protein change: p.Lys294Ile; replaces lysine 294 with isoleucine.
Molecular consequence: missense variant.
Genome position (GRCh38, 1-based): chr18:31,524,755, A>T. VCF-style: chr18-31524755-A-T. GRCh37 (hg19) VCF-style: chr18-29104718-A-T.
Other names: short protein forms K294I.
Identifiers: ClinVar variation 1396135 (VCV001396135.6), dbSNP rs1168649465, ClinGen allele CA402135545.
Genomic context (GRCh38, chr18:31,524,755, plus strand): 5'-TTTTGCAGCTTGAAGGGATGGTTGAAGAAAATCAAGTCAACGTAGAAGTTACGCGCATAA[A>T]AGTGTTCGATGCAGATGAAATAGGTTCTGATAATTGGCTGGCAAATTTTACATTTGCATC-3'
Protein context (NP_001934.2, residues 284-304): NQVNVEVTRI[Lys294Ile]VFDADEIGSD

ClinVar aggregate classification (germline): Uncertain significance (1 of 4 stars; one submission).

Conditions:
Arrhythmogenic right ventricular dysplasia 10. Also called: ARRHYTHMOGENIC RIGHT VENTRICULAR DYSPLASIA, FAMILIAL, 10; Arrhythmogenic right ventricular dysplasia/cardiomyopathy, type 10; Arrhythmogenic Right Ventricular Dysplasia/Cardiomyopathy10. Identifiers: MedGen C1857777, MONDO:0012434, OMIM 610193.

Submission:

Labcorp Genetics (formerly Invitae), Labcorp
Classification: Uncertain significance for Arrhythmogenic right ventricular dysplasia 10. Last evaluated: 2021-12-02. Review status: criteria provided, single submitter. Criteria: Invitae Variant Classification Sherloc (09022015). Collection method: clinical testing. Allele origin: germline.
Comment: This sequence change replaces lysine, which is basic and polar, with isoleucine, which is neutral and non-polar, at codon 294 of the DSG2 protein (p.Lys294Ile). This variant is not present in population databases (gnomAD no frequency). This variant has not been reported in the literature in individuals affected with DSG2-related conditions. Algorithms developed to predict the effect of missense changes on protein structure and function are either unavailable or do not agree on the potential impact of this missense change (SIFT: "Deleterious"; PolyPhen-2: "Probably Damaging"; Align-GVGD: "Class C0"). In summary, the available evidence is currently insufficient to determine the role of this variant in disease. Therefore, it has been classified as a Variant of Uncertain Significance.